The following is an entry in ClinVar:

NM_001270508.2(TNFAIP3):c.158C>G (p.Thr53Ser)

Gene: TNFAIP3 (TNF alpha induced protein 3; plus strand). Cytogenetic location: 6q23.3.
Variant type: single nucleotide variant.
Coding change: c.158C>G on transcript NM_001270508.2 (MANE Select); coding-DNA position 158, C replaced by G.
Protein change: p.Thr53Ser; replaces threonine 53 with serine.
Molecular consequence: missense variant.
Genome position (GRCh38, 1-based): chr6:137,871,385, C>G. VCF-style: chr6-137871385-C-G. GRCh37 (hg19) VCF-style: chr6-138192522-C-G.
Other names: c.158C>G, p.Thr53Ser (NM_001270507.2, NM_006290.4); short protein forms T53S.
Identifiers: ClinVar variation 2015979 (VCV002015979.4), dbSNP rs2114459340, ClinGen allele CA365780519.

ClinVar aggregate classification (germline): Uncertain significance (1 of 4 stars; one submission).

Submission:

Labcorp Genetics (formerly Invitae), Labcorp
Classification: Uncertain significance. Last evaluated: 2022-09-27. Review status: criteria provided, single submitter. Criteria: Invitae Variant Classification Sherloc (09022015). Collection method: clinical testing. Allele origin: germline.
Comment: In summary, the available evidence is currently insufficient to determine the role of this variant in disease. Therefore, it has been classified as a Variant of Uncertain Significance. Advanced modeling of protein sequence and biophysical properties (such as structural, functional, and spatial information, amino acid conservation, physicochemical variation, residue mobility, and thermodynamic stability) performed at Invitae indicates that this missense variant is not expected to disrupt TNFAIP3 protein function. This variant has not been reported in the literature in individuals affected with TNFAIP3-related conditions. This variant is not present in population databases (gnomAD no frequency). This sequence change replaces threonine, which is neutral and polar, with serine, which is neutral and polar, at codon 53 of the TNFAIP3 protein (p.Thr53Ser).